The following is an entry in ClinVar:

ClinVar aggregate classification (germline): Pathogenic (1 of 4 stars; one submission).

Submission:

Ambry Genetics
Classification: Pathogenic. Last evaluated: 2019-08-27. Review status: criteria provided, single submitter. Criteria: Ambry Variant Classification Scheme 2023. Collection method: clinical testing. Allele origin: germline.
Comment: The c.2737delT pathogenic mutation, located in coding exon 2 of the KIAA2022 gene, results from a deletion of one nucleotide at nucleotide position 2737, causing a translational frameshift with a predicted alternate stop codon (p.S913Pfs*9). This alteration is expected to result in loss of function by premature protein truncation or nonsense-mediated mRNA decay. As such, this alteration is interpreted as a disease-causing mutation.

NM_001008537.3(NEXMIF):c.2737del (p.Ser913fs)

Gene: NEXMIF (neurite extension and migration factor; minus strand). Cytogenetic location: Xq13.3.
Variant type: Deletion.
Coding change: c.2737del on transcript NM_001008537.3 (MANE Select); coding-DNA position 2737, one base deleted (T; older notation c.2737delT).
Protein change: p.Ser913fs; shifts the reading frame from serine 913.
Molecular consequence: frameshift variant.
Genome position (GRCh38, 1-based): chrX:74,741,820, A deleted on the plus strand (T on the coding strand, the reverse complement: NEXMIF is on the minus strand). VCF-style (leftmost placement, unchanged base first): chrX-74741819-GA-G. GRCh37 (hg19) VCF-style: chrX-73961654-GA-G.
Other names: short protein forms S913fs.
Identifiers: ClinVar variation 1799597 (VCV001799597.2), dbSNP rs2519913395, ClinGen allele CA2580101380.